The following is an entry in ClinVar:

NM_001102469.2(LIPN):c.450T>C (p.Asp150=)

Gene: LIPN (lipase family member N; plus strand). Cytogenetic location: 10q23.31.
Variant type: single nucleotide variant.
Coding change: c.450T>C on transcript NM_001102469.2 (MANE Select); coding-DNA position 450, T replaced by C.
Protein change: p.Asp150=; no amino-acid change (aspartic acid 150 retained).
Molecular consequence: synonymous variant.
Genome position (GRCh38, 1-based): chr10:88,766,293, T>C. VCF-style: chr10-88766293-T-C. GRCh37 (hg19) VCF-style: chr10-90526050-T-C.
Identifiers: ClinVar variation 4822992 (VCV004822992.4).

ClinVar aggregate classification (germline): Likely benign (1 of 4 stars; one submission).

Submission:

CeGaT Center for Human Genetics Tuebingen
Classification: Likely benign. Last evaluated: 2026-01-01. Review status: criteria provided, single submitter. Criteria: CeGaT Center For Human Genetics Tuebingen Variant Classification Criteria Version 2. Collection method: clinical testing. Allele origin: germline. Affected: yes. Observed: 1 variant allele.
Comment: LIPN: BP4, BP7